The following is an entry in ClinVar:

ClinVar aggregate classification (germline): Uncertain significance (1 of 4 stars; one submission).

Conditions:
Microcephaly-intellectual disability-sensorineural hearing loss-epilepsy-abnormal muscle tone syndrome (NEDHSB). Also called: NEURODEVELOPMENTAL DISORDER WITH HEARING LOSS, SEIZURES, AND BRAIN ABNORMALITIES. Identifiers: Orphanet 457351, MedGen C4225276, MONDO:0014698, OMIM 616577.

Submission:

Labcorp Genetics (formerly Invitae), Labcorp
Classification: Uncertain significance for Microcephaly-intellectual disability-sensorineural hearing loss-epilepsy-abnormal muscle tone syndrome. Last evaluated: 2024-11-18. Review status: criteria provided, single submitter. Criteria: Invitae Variant Classification Sherloc (09022015). Collection method: clinical testing. Allele origin: germline.
Comment: This sequence change replaces valine, which is neutral and non-polar, with glutamic acid, which is acidic and polar, at codon 121 of the SPATA5 protein (p.Val121Glu). This variant is not present in population databases (gnomAD no frequency). This variant has not been reported in the literature in individuals affected with SPATA5-related conditions. ClinVar contains an entry for this variant (Variation ID: 1985331). Invitae Evidence Modeling of protein sequence and biophysical properties (such as structural, functional, and spatial information, amino acid conservation, physicochemical variation, residue mobility, and thermodynamic stability) has been performed for this missense variant. However, the output from this modeling did not meet the statistical confidence thresholds required to predict the impact of this variant on SPATA5 protein function. In summary, the available evidence is currently insufficient to determine the role of this variant in disease. Therefore, it has been classified as a Variant of Uncertain Significance.

NM_145207.3(AFG2A):c.362T>A (p.Val121Glu)

Gene: AFG2A (AAA ATPase AFG2A; plus strand). Cytogenetic location: 4q28.1.
Variant type: single nucleotide variant.
Coding change: c.362T>A on transcript NM_145207.3 (MANE Select); coding-DNA position 362, T replaced by A.
Protein change: p.Val121Glu; replaces valine 121 with glutamic acid.
Molecular consequence: missense variant.
Genome position (GRCh38, 1-based): chr4:122,929,113, T>A. VCF-style: chr4-122929113-T-A. GRCh37 (hg19) VCF-style: chr4-123850268-T-A.
Other names: c.359T>A, p.Val120Glu (NM_001317799.2, NM_001345856.2); short protein forms V121E, V120E.
Identifiers: ClinVar variation 1985331 (VCV001985331.3), dbSNP rs2476776900, ClinGen allele CA358099970.